The following is an entry in ClinVar:

NM_024422.6(DSC2):c.1521-18A>G

Gene: DSC2 (desmocollin 2; minus strand). Cytogenetic location: 18q12.1.
Variant type: single nucleotide variant.
Coding change: c.1521-18A>G on transcript NM_024422.6 (MANE Select); 18 bases into the intron before coding-DNA position 1521, A replaced by G.
Molecular consequence: intron variant.
Genome position (GRCh38, 1-based): chr18:31,080,007, T>C on the plus strand (A>G on the coding strand, the complement: DSC2 is on the minus strand). VCF-style: chr18-31080007-T-C. GRCh37 (hg19) VCF-style: chr18-28659973-T-C.
Other names: c.1521-18A>G (NM_004949.5).
Identifiers: ClinVar variation 1362498 (VCV001362498.8), dbSNP rs886506694, ClinGen allele CA297636939.

ClinVar aggregate classification (germline): Uncertain significance (1 of 4 stars; one submission).

Conditions:
Arrhythmogenic right ventricular dysplasia 11. Also called: Arrhythmogenic right ventricular dysplasia 11 with mild palmoplantar keratoderma and woolly hair; Arrhythmogenic Right Ventricular Dysplasia/Cardiomyopathy11; ARRHYTHMOGENIC RIGHT VENTRICULAR DYSPLASIA, FAMILIAL, 11. Identifiers: MedGen C1864850, MONDO:0012506, OMIM 610476.

Allele frequency attached by ClinVar (database versions not stated): TOPMed 0.00004; gnomAD exomes 0.00001.
gnomAD v4.1: 11 of 1,611,830 alleles (0.00068%); highest among the groups gnomAD compares: African/African-American, 0.013%; no homozygotes.

Submission:

Labcorp Genetics (formerly Invitae), Labcorp
Classification: Uncertain significance for Arrhythmogenic right ventricular dysplasia 11. Last evaluated: 2025-12-10. Review status: criteria provided, single submitter. Criteria: Invitae Variant Classification Sherloc (09022015). Collection method: clinical testing. Allele origin: germline.
Comment: This sequence change falls in intron 10 of the DSC2 gene. It does not directly change the encoded amino acid sequence of the DSC2 protein. This variant is present in population databases (no rsID available, gnomAD 0.01%). This variant has not been reported in the literature in individuals affected with DSC2-related conditions. ClinVar contains an entry for this variant (Variation ID: 1362498). Algorithms developed to predict the effect of sequence changes on RNA splicing suggest that this variant may disrupt the consensus splice site. In summary, the available evidence is currently insufficient to determine the role of this variant in disease. Therefore, it has been classified as a Variant of Uncertain Significance.